The following is an entry in ClinVar:

NM_000322.5(PRPH2):c.40_41insGT (p.Val14fs)

Gene: PRPH2 (peripherin 2; minus strand). Cytogenetic location: 6p21.1.
Variant type: Insertion.
Coding change: c.40_41insGT on transcript NM_000322.5 (MANE Select); coding-DNA positions 40 to 41, GT inserted.
Protein change: p.Val14fs; shifts the reading frame from valine 14.
Molecular consequence: frameshift variant.
Genome position: GRCh38 VCF-style: chr6-42722294-A-AAC. GRCh37 (hg19) VCF-style: chr6-42690032-A-AAC.
Other names: short protein forms V14fs.
Identifiers: ClinVar variation 1175239 (VCV001175239.3), dbSNP rs2152011148, ClinGen allele CA2499218312.

ClinVar aggregate classification (germline): Pathogenic. Review status: criteria provided, single submitter (1 of 4 stars). 2 submissions from 2 submitters: Pathogenic (1). 1 of the submissions does not count toward it. Last evaluated 2024-05-20.

Conditions:
PRPH2-related disorder. Also called: PRPH2-related disorders; PRPH2-related condition. Identifiers: MedGen CN239395.

Submissions (2):

Labcorp Genetics (formerly Invitae), Labcorp
Classification: Pathogenic for PRPH2-related disorder. Last evaluated: 2024-05-20. Review status: criteria provided, single submitter. Criteria: Invitae Variant Classification Sherloc (09022015). Collection method: clinical testing. Allele origin: germline.
Comment: This sequence change creates a premature translational stop signal (p.Val14Glyfs*11) in the PRPH2 gene. It is expected to result in an absent or disrupted protein product. Loss-of-function variants in PRPH2 are known to be pathogenic (PMID: 8111389, 8485575, 8485576, 8675410, 16916875, 17504850, 22863181, 25675413, 26061163, 27365499, 29555955, 33546218). This variant is not present in population databases (gnomAD no frequency). This premature translational stop signal has been observed in individual(s) with inherited retinal dystrophy (PMID: 31429209). ClinVar contains an entry for this variant (Variation ID: 1175239). For these reasons, this variant has been classified as Pathogenic.

Leiden Open Variation Database
Classification: Likely pathogenic. Last evaluated: 2020-08-27. Review status: no assertion criteria provided. Collection method: curation. Allele origin: germline. Affected: yes. Not counted in ClinVar's aggregate classification.
Comment: Curator: Global Variome, with Curator vacancy. Submitter to LOVD: Global Variome, with Curator vacancy.

Literature cited by the submitters: PubMed 8111389 (cited by Labcorp Genetics (formerly Invitae), Labcorp); PubMed 8485575 (cited by Labcorp Genetics (formerly Invitae), Labcorp); PubMed 8485576 (cited by Labcorp Genetics (formerly Invitae), Labcorp); PubMed 8675410 (cited by Labcorp Genetics (formerly Invitae), Labcorp); PubMed 16916875 (cited by Labcorp Genetics (formerly Invitae), Labcorp); PubMed 17504850 (cited by Labcorp Genetics (formerly Invitae), Labcorp); PubMed 22863181 (cited by Labcorp Genetics (formerly Invitae), Labcorp); PubMed 25675413 (cited by Labcorp Genetics (formerly Invitae), Labcorp); PubMed 26061163 (cited by Labcorp Genetics (formerly Invitae), Labcorp); PubMed 27365499 (cited by Labcorp Genetics (formerly Invitae), Labcorp); PubMed 29555955 (cited by Labcorp Genetics (formerly Invitae), Labcorp); PubMed 33546218 (cited by Labcorp Genetics (formerly Invitae), Labcorp); PubMed 31429209 (cited by Labcorp Genetics (formerly Invitae), Labcorp and Leiden Open Variation Database).